The following is an entry in ClinVar:

NM_001323289.2(CDKL5):c.1689A>T (p.Arg563Ser)

Gene: CDKL5 (cyclin dependent kinase like 5; plus strand). Cytogenetic location: Xp22.13.
Variant type: single nucleotide variant.
Coding change: c.1689A>T on transcript NM_001323289.2 (MANE Select); coding-DNA position 1689, A replaced by T.
Protein change: p.Arg563Ser; replaces arginine 563 with serine.
Molecular consequence: missense variant.
Genome position (GRCh38, 1-based): chrX:18,604,613, A>T. VCF-style: chrX-18604613-A-T. GRCh37 (hg19) VCF-style: chrX-18622733-A-T.
Other names: c.1689A>T, p.Arg563Ser (NM_001037343.2, NM_003159.3); short protein forms R563S.
Identifiers: ClinVar variation 1361557 (VCV001361557.8), dbSNP rs2147161018, ClinGen allele CA412362268.

ClinVar aggregate classification (germline): Uncertain significance (1 of 4 stars; one submission).

Conditions:
Angelman syndrome-like. Identifiers: MedGen CN128785.
Developmental and epileptic encephalopathy, 2 (DEE2). Also called: INFANTILE SPASM SYNDROME, X-LINKED 2; CDKL5 deficiency disorder. Identifiers: Orphanet 1934, Orphanet 3451, Orphanet 505652, MedGen C4750718, MONDO:0010396, OMIM 300672.

Submission:

Labcorp Genetics (formerly Invitae), Labcorp
Classification: Uncertain significance for Developmental and epileptic encephalopathy, 2; Angelman syndrome-like. Last evaluated: 2024-02-23. Review status: criteria provided, single submitter. Criteria: Invitae Variant Classification Sherloc (09022015). Collection method: clinical testing. Allele origin: germline.
Comment: This sequence change replaces arginine, which is basic and polar, with serine, which is neutral and polar, at codon 563 of the CDKL5 protein (p.Arg563Ser). This variant is not present in population databases (gnomAD no frequency). This variant has not been reported in the literature in individuals affected with CDKL5-related conditions. ClinVar contains an entry for this variant (Variation ID: 1361557). Advanced modeling of protein sequence and biophysical properties (such as structural, functional, and spatial information, amino acid conservation, physicochemical variation, residue mobility, and thermodynamic stability) performed at Invitae indicates that this missense variant is not expected to disrupt CDKL5 protein function with a negative predictive value of 95%. In summary, the available evidence is currently insufficient to determine the role of this variant in disease. Therefore, it has been classified as a Variant of Uncertain Significance.